The following is an entry in ClinVar:

NM_001365999.1(SZT2):c.2950dup (p.Thr984fs)

Gene: SZT2 (SZT2 subunit of KICSTOR complex; plus strand). Cytogenetic location: 1p34.2.
Variant type: Duplication.
Coding change: c.2950dup on transcript NM_001365999.1 (MANE Select); coding-DNA position 2950, one base duplicated (A; older notation c.2950dupA).
Protein change: p.Thr984fs; shifts the reading frame from threonine 984.
Molecular consequence: frameshift variant.
Genome position (GRCh38, 1-based): chr1:43,426,058, A duplicated. VCF-style (leftmost placement, unchanged base first): chr1-43426057-C-CA. GRCh37 (hg19) VCF-style: chr1-43891728-C-CA.
Other names: c.2950dup, p.Thr984fs (NM_015284.4); short protein forms T984fs.
Identifiers: ClinVar variation 4727856 (VCV004727856.1).
Genomic context (GRCh38, chr1:43,426,057, plus strand): 5'-TAATCTGCGTCTCACTGTGTCCTGTCCTTCCTCCCTCGTAGGATTGGATCAGGGAGGAGA[C>CA]ACCTGCGTCCATGAGATCCCTTTCCATTTTGACCTAATGGGATTGCTGCCACAGTGCCAG-3'

ClinVar aggregate classification (germline): Pathogenic (1 of 4 stars; one submission).

Submission:

Labcorp Genetics (formerly Invitae), Labcorp
Classification: Pathogenic. Last evaluated: 2025-09-25. Review status: criteria provided, single submitter. Criteria: Invitae Variant Classification Sherloc (09022015). Collection method: clinical testing. Allele origin: germline.
Comment: This sequence change creates a premature translational stop signal (p.Thr984Asnfs*5) in the SZT2 gene. It is expected to result in an absent or disrupted protein product. Loss-of-function variants in SZT2 are known to be pathogenic (PMID: 23932106, 27248490, 28556953). This variant is not present in population databases (gnomAD no frequency). This variant has not been reported in the literature in individuals affected with SZT2-related conditions. For these reasons, this variant has been classified as Pathogenic.

Literature cited by the submitters: PubMed 23932106; PubMed 27248490; PubMed 28556953.